The following is an entry in ClinVar:

ClinVar aggregate classification (germline): Likely benign (0 of 4 stars; one submission).

Conditions:
UBR3-related disorder. Also called: UBR3-related condition.

Allele frequency attached by ClinVar (database versions not stated): ExAC 0.00014; gnomAD 0.00028; TOPMed 0.00029; ESP Exome Variant Server 0.00044.
gnomAD v4.1: 845 of 1,551,162 alleles (0.054%); highest among the groups gnomAD compares: Non-Finnish European, 0.071%; 1 homozygote.

Submission:

PreventionGenetics, part of Exact Sciences
Classification: Likely benign for UBR3-related condition. Last evaluated: 2020-02-24. Review status: no assertion criteria provided. Collection method: clinical testing. Allele origin: germline.
Comment: This variant is classified as likely benign based on ACMG/AMP sequence variant interpretation guidelines (Richards et al. 2015 PMID: 25741868, with internal and published modifications).

NM_172070.4(UBR3):c.1353C>T (p.Phe451=)

Gene: UBR3 (ubiquitin protein ligase E3 component n-recognin 3; plus strand). Cytogenetic location: 2q31.1.
Variant type: single nucleotide variant.
Coding change: c.1353C>T on transcript NM_172070.4 (MANE Select); coding-DNA position 1353, C replaced by T.
Protein change: p.Phe451=; no amino-acid change (phenylalanine 451 retained).
Molecular consequence: synonymous variant.
Genome position (GRCh38, 1-based): chr2:169,896,623, C>T. VCF-style: chr2-169896623-C-T. GRCh37 (hg19) VCF-style: chr2-170753133-C-T.
Identifiers: ClinVar variation 3051399 (VCV003051399.2), dbSNP rs183132388, ClinGen allele CA1959860.